The following is an entry in ClinVar:

ClinVar aggregate classification (germline): Uncertain significance (1 of 4 stars; one submission).

Conditions:
Ataxia-telangiectasia syndrome (AT). Also called: ATAXIA-TELANGIECTASIA, COMPLEMENTATION GROUP A; ATAXIA-TELANGIECTASIA, FRESNO VARIANT; Ataxia-telangiectasia, complementation group D; LOUIS-BAR SYNDROME; AT, COMPLEMENTATION GROUP C; Ataxia-telangiectasia. Identifiers: Orphanet 100, MedGen C0004135, MONDO:0008840, OMIM 208900.

Submission:

Labcorp Genetics (formerly Invitae), Labcorp
Classification: Uncertain significance for Ataxia-telangiectasia syndrome. Last evaluated: 2024-01-02. Review status: criteria provided, single submitter. Criteria: Invitae Variant Classification Sherloc (09022015). Collection method: clinical testing. Allele origin: germline.
Comment: This sequence change replaces leucine, which is neutral and non-polar, with glycine, which is neutral and non-polar, at codon 432 of the ATM protein (p.Leu432Gly). Information on the frequency of this variant in the gnomAD database is not available, as this variant may be reported differently in the database. This variant has not been reported in the literature in individuals affected with ATM-related conditions. An algorithm developed to predict the effect of missense changes on protein structure and function (PolyPhen-2) suggests that this variant is likely to be disruptive. In summary, the available evidence is currently insufficient to determine the role of this variant in disease. Therefore, it has been classified as a Variant of Uncertain Significance.

NM_000051.4(ATM):c.1294_1295delinsGG (p.Leu432Gly)

Gene: ATM (ATM serine/threonine kinase; plus strand). Cytogenetic location: 11q22.3.
Variant type: Indel.
Coding change: c.1294_1295delinsGG on transcript NM_000051.4 (MANE Select); coding-DNA positions 1294 to 1295, CT replaced by GG.
Protein change: p.Leu432Gly; replaces leucine 432 with glycine.
Molecular consequence: missense variant.
Genome position (GRCh38, 1-based): chr11:108,250,759-108,250,760, CT replaced by GG. VCF-style: chr11-108250759-CT-GG. GRCh37 (hg19) VCF-style: chr11-108121486-CT-GG.
Other names: c.1294_1295delinsGG, p.Leu432Gly (NM_001351834.2); short protein forms L432G.
Identifiers: ClinVar variation 2707003 (VCV002707003.3), dbSNP rs2497240181, ClinGen allele CA2697548994.